The following is an entry in ClinVar:

ClinVar aggregate classification (germline): Benign. Review status: criteria provided, multiple submitters, no conflicts (2 of 4 stars). 6 submissions from 6 submitters: Benign (5). 1 of the submissions does not count toward it. Last evaluated 2026-02-03.

Conditions:
Combined oxidative phosphorylation defect type 20. Also called: Combined oxidative phosphorylation deficiency 20. Identifiers: Orphanet 420728, MedGen C4014660, MONDO:0014397, OMIM 615917.

Allele frequency attached by ClinVar (database versions not stated): 1000 Genomes Project 0.39377; ESP Exome Variant Server 0.18731; gnomAD exomes 0.20617 and 0.29368; gnomAD 0.22711 and 0.24084; TOPMed 0.24499; ExAC 0.30221; 1000 Genomes Project 30x 0.38382.
gnomAD v4.1: 339,938 of 1,611,106 alleles (21%); highest among the groups gnomAD compares: East Asian, 57%; 45,951 homozygotes.

Submissions (6):

Labcorp Genetics (formerly Invitae), Labcorp
Classification: Benign. Last evaluated: 2026-02-03. Review status: criteria provided, single submitter. Criteria: Invitae Variant Classification Sherloc (09022015). Collection method: clinical testing. Allele origin: germline.

Unidad de Genómica Garrahan, Hospital de Pediatría Garrahan
Classification: Benign. Last evaluated: 2024-07-31. Review status: criteria provided, single submitter. Criteria: ACMG Guidelines, 2015. Collection method: clinical testing. Allele origin: germline. Affected: no. Observed: 55 variant alleles.
Comment: This variant is classified as Benign based on local population frequency. This variant was detected in 59% of patients studied in a panel designed for Epileptic and Developmental Encephalopathy, Progressive Myoclonus Epilepsy and Abnormal Movements and Neurodegeneration with brain iron accumulation. Number of patients: 55. Only high quality variants are reported.

Genome-Nilou Lab
Classification: Benign for Combined oxidative phosphorylation defect type 20. Last evaluated: 2021-12-05. Review status: criteria provided, single submitter. Criteria: ACMG Guidelines, 2015. Collection method: clinical testing. Allele origin: germline. Affected: no.

Mendelics
Classification: Benign for Combined oxidative phosphorylation defect type 20. Last evaluated: 2019-05-28. Review status: criteria provided, single submitter. Criteria: Mendelics Assertion Criteria 2017. Collection method: clinical testing. Allele origin: unknown.

GeneDx
Classification: Benign. Last evaluated: 2015-12-22. Review status: criteria provided, single submitter. Criteria: GeneDx Variant Classification (06012015). Collection method: clinical testing. Allele origin: germline. Affected: yes.
Comment: This variant is considered likely benign or benign based on one or more of the following criteria: it is a conservative change, it occurs at a poorly conserved position in the protein, it is predicted to be benign by multiple in silico algorithms, and/or has population frequency not consistent with disease.

Mayo Clinic Laboratories, Mayo Clinic
Classification: Benign. Last evaluated: 2016-02-23. Review status: no assertion criteria provided. Collection method: clinical testing. Allele origin: unknown. Not counted in ClinVar's aggregate classification.

NM_020442.6(VARS2):c.2750G>A (p.Arg917Gln)

Gene: VARS2 (valyl-tRNA synthetase 2, mitochondrial; plus strand). Cytogenetic location: 6p21.33.
Variant type: single nucleotide variant.
Coding change: c.2750G>A on transcript NM_020442.6 (MANE Select); coding-DNA position 2750, G replaced by A.
Protein change: p.Arg917Gln; replaces arginine 917 with glutamine.
Molecular consequence: missense variant.
Genome position (GRCh38, 1-based): chr6:30,925,350, G>A. VCF-style: chr6-30925350-G-A. GRCh37 (hg19) VCF-style: chr6-30893127-G-A.
Other names: c.2330G>A, p.Arg777Gln (NM_001167733.3); c.2840G>A, p.Arg947Gln (NM_001167734.2); short protein forms R917Q, R947Q, R777Q.
Identifiers: ClinVar variation 380161 (VCV000380161.17), dbSNP rs9394021, ClinGen allele CA3706369.